The following is an entry in ClinVar:

ClinVar aggregate classification (germline): Benign/Likely benign. Review status: criteria provided, multiple submitters, no conflicts (2 of 4 stars). 8 submissions from 8 submitters: Benign (1); Likely benign (6). 1 of the submissions does not count toward it. Last evaluated 2026-02-01.

Conditions:
CACNA1H-related disorder.
Epilepsy, childhood absence, susceptibility to, 6. Identifiers: Orphanet 64280, MedGen C2749872, MONDO:0012763, OMIM 611942.
Hyperaldosteronism, familial, type IV (HALD4). Also called: FH IV; ALDOSTERONISM, PRIMARY, AND HYPERTENSION. Identifiers: Orphanet 642671, MedGen C4310756, MONDO:0014875, OMIM 617027.
Idiopathic generalized epilepsy. Also called: EIG; Generalised epilepsy. Identifiers: MedGen C0270850, MONDO:0005579, OMIM 600669.

Allele frequency attached by ClinVar (database versions not stated): 1000 Genomes Project 30x 0.00250; 1000 Genomes Project 0.00260; ExAC 0.00323; gnomAD exomes 0.00337 and 0.00430; gnomAD 0.00345 and 0.00378; ESP Exome Variant Server 0.00427; TOPMed 0.00429.
gnomAD v4.1: 6,826 of 1,613,136 alleles (0.42%); highest among the groups gnomAD compares: Non-Finnish European, 0.5%; 25 homozygotes.

Submissions (8):

CeGaT Center for Human Genetics Tuebingen
Classification: Likely benign. Last evaluated: 2026-02-01. Review status: criteria provided, single submitter. Criteria: CeGaT Center For Human Genetics Tuebingen Variant Classification Criteria Version 2. Collection method: clinical testing. Allele origin: germline. Affected: yes. Observed: 3 variant alleles.
Comment: CACNA1H: BP4, BP7, BS2

Labcorp Genetics (formerly Invitae), Labcorp
Classification: Benign for Idiopathic generalized epilepsy; Hyperaldosteronism, familial, type IV. Last evaluated: 2026-01-28. Review status: criteria provided, single submitter. Criteria: Invitae Variant Classification Sherloc (09022015). Collection method: clinical testing. Allele origin: germline.

Mayo Clinic Laboratories, Mayo Clinic
Classification: Likely benign. Last evaluated: 2025-06-22. Review status: criteria provided, single submitter. Criteria: ACMG Guidelines, 2015. Collection method: clinical testing. Allele origin: germline. Observed: 1 variant allele.
Comment: BS1, BP4, BP7

Blueprint Genetics
Classification: Likely benign. Last evaluated: 2024-11-22. Review status: criteria provided, single submitter. Criteria: ACMG Guidelines, 2015. Collection method: clinical testing. Allele origin: germline.

Fulgent Genetics
Classification: Likely benign for Epilepsy, childhood absence, susceptibility to, 6; Hyperaldosteronism, familial, type IV. Last evaluated: 2021-08-30. Review status: criteria provided, single submitter. Criteria: ACMG Guidelines, 2015. Collection method: clinical testing. Allele origin: unknown.

GeneDx
Classification: Likely benign. Last evaluated: 2020-09-03. Review status: criteria provided, single submitter. Criteria: GeneDx Variant Classification Process June 2021. Collection method: clinical testing. Allele origin: germline. Affected: yes.

Breakthrough Genomics
Classification: Likely benign. Review status: criteria provided, single submitter. Criteria: ACMG Guidelines, 2015. Collection method: not provided. Allele origin: germline. Inheritance: Autosomal dominant inheritance. Affected: yes.

PreventionGenetics, part of Exact Sciences
Classification: Benign for CACNA1H-related condition. Last evaluated: 2019-04-17. Review status: no assertion criteria provided. Collection method: clinical testing. Allele origin: germline. Not counted in ClinVar's aggregate classification.
Comment: This variant is classified as benign based on ACMG/AMP sequence variant interpretation guidelines (Richards et al. 2015 PMID: 25741868, with internal and published modifications).

NM_021098.3(CACNA1H):c.4314C>T (p.Cys1438=)

Gene: CACNA1H (calcium voltage-gated channel subunit alpha1 H; plus strand). Cytogenetic location: 16p13.3.
Variant type: single nucleotide variant.
Coding change: c.4314C>T on transcript NM_021098.3 (MANE Select); coding-DNA position 4314, C replaced by T.
Protein change: p.Cys1438=; no amino-acid change (cysteine 1438 retained).
Molecular consequence: synonymous variant.
Genome position (GRCh38, 1-based): chr16:1,211,258, C>T. VCF-style: chr16-1211258-C-T. GRCh37 (hg19) VCF-style: chr16-1261258-C-T.
Other names: p.Cys1438=; c.4314C>T, p.Cys1438= (NM_001005407.2).
Identifiers: ClinVar variation 460113 (VCV000460113.42), dbSNP rs60275734, ClinGen allele CA7801257.